The following is an entry in ClinVar:

NM_001845.6(COL4A1):c.1417G>A (p.Asp473Asn)

Gene: COL4A1 (collagen type IV alpha 1 chain; minus strand). Cytogenetic location: 13q34.
Variant type: single nucleotide variant.
Coding change: c.1417G>A on transcript NM_001845.6 (MANE Select); coding-DNA position 1417, G replaced by A.
Protein change: p.Asp473Asn; replaces aspartic acid 473 with asparagine.
Molecular consequence: missense variant.
Genome position (GRCh38, 1-based): chr13:110,192,878, C>T on the plus strand (G>A on the coding strand, the complement: COL4A1 is on the minus strand). VCF-style: chr13-110192878-C-T. GRCh37 (hg19) VCF-style: chr13-110845225-C-T.
Other names: c.1417G>A, p.Asp473Asn (NM_001303110.2); c.1417G>A (NM_001845.4); short protein forms D473N.
Identifiers: ClinVar variation 2739965 (VCV002739965.4), dbSNP rs763943165, ClinGen allele CA7047943.

ClinVar aggregate classification (germline): Uncertain significance. Review status: criteria provided, multiple submitters, no conflicts (2 of 4 stars). 2 submissions from 2 submitters: Uncertain significance (2). Last evaluated 2023-12-22.

Conditions:
Inborn genetic diseases. Identifiers: MedGen C0950123, MeSH D030342.

Allele frequency attached by ClinVar (database versions not stated): gnomAD exomes below 0.00001; gnomAD 0.00001; ExAC 0.00002.
gnomAD v4.1: 9 of 1,614,024 alleles (0.00056%); highest among the groups gnomAD compares: East Asian, 0.018%; no homozygotes.

Submissions (2):

Ambry Genetics
Classification: Uncertain significance for Inborn genetic diseases. Last evaluated: 2023-12-22. Review status: criteria provided, single submitter. Criteria: Ambry Variant Classification Scheme 2023. Collection method: clinical testing. Allele origin: germline.

Labcorp Genetics (formerly Invitae), Labcorp
Classification: Uncertain significance. Last evaluated: 2023-04-11. Review status: criteria provided, single submitter. Criteria: Invitae Variant Classification Sherloc (09022015). Collection method: clinical testing. Allele origin: germline.
Comment: This sequence change replaces aspartic acid, which is acidic and polar, with asparagine, which is neutral and polar, at codon 473 of the COL4A1 protein (p.Asp473Asn). This variant is present in population databases (rs763943165, gnomAD 0.03%). This variant has not been reported in the literature in individuals affected with COL4A1-related conditions. Advanced modeling of protein sequence and biophysical properties (such as structural, functional, and spatial information, amino acid conservation, physicochemical variation, residue mobility, and thermodynamic stability) performed at Invitae indicates that this missense variant is not expected to disrupt COL4A1 protein function. In summary, the available evidence is currently insufficient to determine the role of this variant in disease. Therefore, it has been classified as a Variant of Uncertain Significance.